The following is an entry in ClinVar:

NM_002246.3(KCNK3):c.220G>T (p.Ala74Ser)

Gene: KCNK3 (potassium two pore domain channel subfamily K member 3; plus strand). Cytogenetic location: 2p23.3.
Variant type: single nucleotide variant.
Coding change: c.220G>T on transcript NM_002246.3 (MANE Select); coding-DNA position 220, G replaced by T.
Protein change: p.Ala74Ser; replaces alanine 74 with serine.
Molecular consequence: missense variant.
Genome position (GRCh38, 1-based): chr2:26,693,095, G>T. VCF-style: chr2-26693095-G-T. GRCh37 (hg19) VCF-style: chr2-26915963-G-T.
Other names: short protein forms A74S.
Identifiers: ClinVar variation 1939909 (VCV001939909.6), dbSNP rs746843850, ClinGen allele CA1565445.
Genomic context (GRCh38, chr2:26,693,095, plus strand): 5'-CTCAGCCAGGGCGGCTACGAGGAGCTGGAGCGCGTCGTGCTGCGCCTCAAGCCGCACAAG[G>T]CCGGCGTGCAGTGGCGCTTCGCCGGCTCCTTCTACTTCGCCATCACCGTCATCACCACCA-3'
Protein context (NP_002237.1, residues 64-84): RVVLRLKPHK[Ala74Ser]GVQWRFAGSF

ClinVar aggregate classification (germline): Uncertain significance. Review status: criteria provided, multiple submitters, no conflicts (2 of 4 stars). 2 submissions from 2 submitters: Uncertain significance (2). Last evaluated 2025-09-05.

Conditions:
Inborn genetic diseases. Identifiers: MedGen C0950123, MeSH D030342.
Pulmonary hypertension, primary, 4. Identifiers: Orphanet 422, MedGen C3809198, MONDO:0014136, OMIM 615344.

Allele frequency attached by ClinVar (database versions not stated): ExAC 0.00001; gnomAD exomes 0.00001; TOPMed 0.00001.
gnomAD v4.1: 7 of 1,601,816 alleles (0.00044%); highest among the groups gnomAD compares: Admixed American, 0.0017%; no homozygotes.

Submissions (2):

Ambry Genetics
Classification: Uncertain significance for Inborn genetic diseases. Last evaluated: 2025-09-05. Review status: criteria provided, single submitter. Criteria: Ambry Variant Classification Scheme 2023. Collection method: clinical testing. Allele origin: germline.

Labcorp Genetics (formerly Invitae), Labcorp
Classification: Uncertain significance for Pulmonary hypertension, primary, 4. Last evaluated: 2022-04-04. Review status: criteria provided, single submitter. Criteria: Invitae Variant Classification Sherloc (09022015). Collection method: clinical testing. Allele origin: germline.
Comment: Algorithms developed to predict the effect of missense changes on protein structure and function (SIFT, PolyPhen-2, Align-GVGD) all suggest that this variant is likely to be tolerated. This variant has not been reported in the literature in individuals affected with KCNK3-related conditions. The frequency data for this variant in the population databases is considered unreliable, as metrics indicate poor data quality at this position in the gnomAD database. This sequence change replaces alanine, which is neutral and non-polar, with serine, which is neutral and polar, at codon 74 of the KCNK3 protein (p.Ala74Ser). In summary, the available evidence is currently insufficient to determine the role of this variant in disease. Therefore, it has been classified as a Variant of Uncertain Significance.